The following is an entry in ClinVar:

NM_005431.2(XRCC2):c.-15C>G

Gene: XRCC2 (X-ray repair cross complementing 2; minus strand). Cytogenetic location: 7q36.1.
Variant type: single nucleotide variant.
Coding change: c.-15C>G on transcript NM_005431.2 (MANE Select); 15 bases upstream of the start codon, C replaced by G.
Molecular consequence: 5 prime UTR variant.
Genome position (GRCh38, 1-based): chr7:152,676,094, G>C on the plus strand (C>G on the coding strand, the complement: XRCC2 is on the minus strand). VCF-style: chr7-152676094-G-C. GRCh37 (hg19) VCF-style: chr7-152373179-G-C.
Identifiers: ClinVar variation 383399 (VCV000383399.1), dbSNP rs1056607909, ClinGen allele CA16605094.

ClinVar aggregate classification (germline): Likely benign (1 of 4 stars; one submission).

Allele frequency attached by ClinVar (database versions not stated): gnomAD exomes below 0.00001; TOPMed 0.00002; gnomAD 0.00003.
gnomAD v4.1: 8 of 1,613,732 alleles (0.0005%); highest among the groups gnomAD compares: Middle Eastern, 0.016%; no homozygotes.

Submission:

GeneDx
Classification: Likely benign. Last evaluated: 2016-01-27. Review status: criteria provided, single submitter. Criteria: GeneDx Variant Classification (06012015). Collection method: clinical testing. Allele origin: germline. Affected: yes.
Comment: This variant is considered likely benign or benign based on one or more of the following criteria: it is a conservative change, it occurs at a poorly conserved position in the protein, it is predicted to be benign by multiple in silico algorithms, and/or has population frequency not consistent with disease.